The following is an entry in ClinVar:

ClinVar aggregate classification (germline): Likely benign. Review status: criteria provided, multiple submitters, no conflicts (2 of 4 stars). 4 submissions from 4 submitters: Likely benign (4). Last evaluated 2026-01-06.

Conditions:
ITPA-related disorder. Also called: ITPA-related condition.
Inosine triphosphatase deficiency. Also called: INOSINE TRIPHOSPHATE PYROPHOSPHOHYDROLASE DEFICIENCY. Identifiers: MedGen C0342800, MONDO:0013461, OMIM 613850.

Allele frequency attached by ClinVar (database versions not stated): ExAC 0.00017; gnomAD exomes 0.00021 and 0.00053; TOPMed 0.00028; gnomAD 0.00030; ESP Exome Variant Server 0.00038.
gnomAD v4.1: 840 of 1,614,074 alleles (0.052%); highest among the groups gnomAD compares: Non-Finnish European, 0.066%; no homozygotes.

Submissions (4):

Labcorp Genetics (formerly Invitae), Labcorp
Classification: Likely benign for Inosine triphosphatase deficiency. Last evaluated: 2026-01-06. Review status: criteria provided, single submitter. Criteria: Invitae Variant Classification Sherloc (09022015). Collection method: clinical testing. Allele origin: germline.

PreventionGenetics, part of Exact Sciences
Classification: Likely benign for ITPA-related condition. Last evaluated: 2025-10-06. Review status: criteria provided, single submitter. Criteria: ACMG Guidelines, 2015. Collection method: clinical testing. Allele origin: germline.
Comment: This variant is classified as likely benign based on ACMG/AMP sequence variant interpretation guidelines (Richards et al. 2015 PMID: 25741868, with internal and published modifications).

Blueprint Genetics
Classification: Likely benign. Last evaluated: 2024-10-18. Review status: criteria provided, single submitter. Criteria: ACMG Guidelines, 2015. Collection method: clinical testing. Allele origin: germline.

CeGaT Center for Human Genetics Tuebingen
Classification: Likely benign. Last evaluated: 2023-07-01. Review status: criteria provided, single submitter. Criteria: CeGaT Center For Human Genetics Tuebingen Variant Classification Criteria Version 2. Collection method: clinical testing. Allele origin: germline. Affected: yes. Observed: 3 variant alleles.
Comment: ITPA: BP4, BP7

NM_033453.4(ITPA):c.96A>G (p.Pro32=)

Gene: ITPA (inosine triphosphatase; plus strand). Cytogenetic location: 20p13.
Variant type: single nucleotide variant.
Coding change: c.96A>G on transcript NM_033453.4 (MANE Select); coding-DNA position 96, A replaced by G.
Protein change: p.Pro32=; no amino-acid change (proline 32 retained).
Molecular consequence: synonymous variant. On other transcripts: 5 prime UTR variant (1), non-coding transcript variant (2), intron variant (4).
Genome position (GRCh38, 1-based): chr20:3,213,198, A>G. VCF-style: chr20-3213198-A-G. GRCh37 (hg19) VCF-style: chr20-3193844-A-G.
Other names: c.-242A>G (NM_001324237.2); c.96A>G, p.Pro32= (NM_001324240.2); c.45A>G, p.Pro15= (NM_181493.4); c.-274-60A>G (NM_001324238.2, NM_001324236.2, NM_001351739.2); c.67-787A>G (NM_001267623.2).
Identifiers: ClinVar variation 464837 (VCV000464837.39), dbSNP rs144682597, ClinGen allele CA9741144.
Genomic context (GRCh38, chr20:3,213,198, plus strand): 5'-GTGATAAGTGTTCTCTTTTCTCTTGGAACAGGTCGTTCAGATTCTAGGAGATAAGTTTCC[A>G]TGCACTTTGGTGGCACAGAAAATTGACCGTATGTCTCTGTTTTGTTTTATTTTTAAAAGA-3'
Protein context (NP_258412.1, residues 22-42): EVVQILGDKF[Pro32=]CTLVAQKIDL